The following is an entry in ClinVar:

ClinVar aggregate classification (germline): Likely pathogenic (1 of 4 stars; one submission).

Submission:

Labcorp Genetics (formerly Invitae), Labcorp
Classification: Likely pathogenic. Last evaluated: 2024-11-12. Review status: criteria provided, single submitter. Criteria: Invitae Variant Classification Sherloc (09022015). Collection method: clinical testing. Allele origin: germline.
Comment: This sequence change affects a donor splice site in intron 4 of the TRAPPC2 gene. It is expected to disrupt RNA splicing. Variants that disrupt the donor or acceptor splice site typically lead to a loss of protein function (PMID: 16199547), and loss-of-function variants in TRAPPC2 are known to be pathogenic (PMID: 11349230). This variant is not present in population databases (gnomAD no frequency). This variant has not been reported in the literature in individuals affected with TRAPPC2-related conditions. In summary, the currently available evidence indicates that the variant is pathogenic, but additional data are needed to prove that conclusively. Therefore, this variant has been classified as Likely Pathogenic.

Literature cited by the submitters: PubMed 16199547; PubMed 11349230.

NM_001011658.4(TRAPPC2):c.238+2T>C

Genes: OFD1 (OFD1 centriole and centriolar satellite protein; plus strand), TRAPPC2 (trafficking protein particle complex subunit 2; minus strand). Cytogenetic location: Xp22.2.
Variant type: single nucleotide variant.
Coding change: c.238+2T>C on transcript NM_001011658.4 (MANE Select); the canonical splice donor site of the intron after coding-DNA position 238, T replaced by C.
Molecular consequence: splice donor variant.
Genome position (GRCh38, 1-based): chrX:13,716,532, A>G on the plus strand (T>C on the coding strand, the complement: TRAPPC2 is on the minus strand). VCF-style: chrX-13716532-A-G. GRCh37 (hg19) VCF-style: chrX-13734651-A-G.
Other names: c.238+2T>C (NM_014563.6); c.340+2T>C (NM_001128835.3).
Identifiers: ClinVar variation 3725137 (VCV003725137.2).